The following is an entry in ClinVar:

NM_007294.4(BRCA1):c.5467+1G>C

Gene: BRCA1 (BRCA1 DNA repair associated; minus strand). Cytogenetic location: 17q21.31.
Variant type: single nucleotide variant.
Coding change: c.5467+1G>C on transcript NM_007294.4 (MANE Select); the canonical splice donor site of the intron after coding-DNA position 5467, G replaced by C.
Molecular consequence: splice donor variant.
Genome position (GRCh38, 1-based): chr17:43,047,642, C>G on the plus strand (G>C on the coding strand, the complement: BRCA1 is on the minus strand). VCF-style: chr17-43047642-C-G. GRCh37 (hg19) VCF-style: chr17-41199659-C-G.
Other names: c.2029+1G>C (NM_001408450.1, NM_001408447.1, NM_001408446.1 and 2 more transcripts); c.2032+1G>C (NM_001408434.1, NM_001408440.1, NM_001408437.1 and 10 more transcripts); c.5341+1G>C (NM_001407672.1, NM_001407678.1, NM_001407674.1 and 8 more transcripts); c.2152+1G>C (NM_001408398.1, NM_001408400.1, NM_001408392.1 and 7 more transcripts); c.2155+1G>C (NM_001407992.1, NM_001407981.1, NM_007298.4 and 10 more transcripts); c.5461+1G>C (NM_001407629.1, NM_001407636.1, NM_001407639.1 and 13 more transcripts); c.5464+1G>C (NM_001407612.1, NM_001407620.1, NM_001407623.1 and 14 more transcripts); c.2035+1G>C (NM_001408428.1, NM_001408429.1, NM_001408426.1 and 4 more transcripts); and 83 more.
Identifiers: ClinVar variation 868923 (VCV000868923.3), dbSNP rs80358145, ClinGen allele CA10590415.

Conditions:
Breast-ovarian cancer, familial, susceptibility to, 1 (BROVCA1). Also called: BRCA1 Hereditary Breast and Ovarian Cancer; OVARIAN CANCER, SUSCEPTIBILITY TO. Identifiers: Orphanet 145, MedGen C2676676, MONDO:0011450, OMIM 604370. Disease mechanism: loss of function.

Submission:

Brotman Baty Institute, University of Washington
No classification provided (evidence only). Condition: Breast-ovarian cancer, familial 1. Review status: no classification provided. Collection method: in vitro. Allele origin: not applicable. Functional consequence: functionally_abnormal.
ClinVar note: "not provided" was previously submitted as the classification for the variant. However, the classification appeared to be based only on an observation of functional data so it was converted to no classification on 2025-07-30.